The following is an entry in ClinVar:

ClinVar aggregate classification (germline): Pathogenic. Review status: reviewed by expert panel (3 of 4 stars). 2 submissions from 2 submitters: Pathogenic (1). 1 of the submissions does not count toward it. Last evaluated 2016-09-08.

Conditions:
Breast-ovarian cancer, familial, susceptibility to, 1 (BROVCA1). Also called: BRCA1 Hereditary Breast and Ovarian Cancer; OVARIAN CANCER, SUSCEPTIBILITY TO. Identifiers: Orphanet 145, MedGen C2676676, MONDO:0011450, OMIM 604370. Disease mechanism: loss of function.

Submissions (2):

Evidence-based Network for the Interpretation of Germline Mutant Alleles (ENIGMA)
Classification: Pathogenic for Breast-ovarian cancer, familial, susceptibility to, 1. Last evaluated: 2016-09-08. Review status: reviewed by expert panel. Criteria: ENIGMA BRCA1/2 Classification Criteria (2015). Collection method: curation. Allele origin: germline.
Comment: Variant allele predicted to encode a truncated non-functional protein.

Consortium of Investigators of Modifiers of BRCA1/2 (CIMBA), c/o University of Cambridge
Classification: Pathogenic for Breast-ovarian cancer, familial, susceptibility to, 1. Last evaluated: 2015-10-02. Review status: criteria provided, single submitter. Criteria: CIMBA Mutation Classification guidelines May 2016. Collection method: clinical testing. Allele origin: germline. Not counted in ClinVar's aggregate classification.

NM_007294.4(BRCA1):c.3695del (p.Gly1232fs)

Genes: BRCA1 (BRCA1 DNA repair associated; minus strand), LOC126862571 (BRD4-independent group 4 enhancer GRCh37_chr17:41243136-41244335; plus strand). Cytogenetic location: 17q21.31.
Variant type: Deletion.
Coding change: c.3695del on transcript NM_007294.4 (MANE Select); coding-DNA position 3695, one base deleted (G; older notation c.3695delG).
Protein change: p.Gly1232fs; shifts the reading frame from glycine 1232.
Molecular consequence: frameshift variant. On other transcripts: intron variant (135).
Genome position (GRCh38, 1-based): chr17:43,091,836, C deleted on the plus strand (G on the coding strand, the reverse complement: BRCA1 is on the minus strand); the first of 2 consecutive C bases (chr17:43,091,836-43,091,837); deleting either gives the same sequence. VCF-style (leftmost placement, unchanged base first): chr17-43091835-AC-A. GRCh37 (hg19) VCF-style: chr17-41243852-AC-A.
Other names: c.3695delG (NM_007294.3); c.545-804del (NM_001408495.1); c.662-804del (NM_001408448.1, NM_001408445.1, NM_001408432.1 and 6 more transcripts); c.668-804del (NM_001408421.1, NM_001408431.1, NM_001408424.1); c.785-804del (NM_001407991.1, NM_001408407.1, NM_001408402.1 and 13 more transcripts); c.665-804del (NM_001408427.1, NM_001408443.1, NM_001408439.1 and 12 more transcripts); c.524-804del (NM_001408496.1, NM_001408499.1, NM_001408498.1 and 3 more transcripts); c.647-804del (NM_001408460.1, NM_001408454.1, NM_001408456.1 and 11 more transcripts); and 42 more; short protein forms G1185fs, G1232fs, G1120fs, G1161fs, G1164fs, G1184fs, G1206fs, G364fs.
Identifiers: ClinVar variation 254439 (VCV000254439.4), dbSNP rs886038022, ClinGen allele CA10586621.
Genomic context (GRCh38, chr17:43,091,835, plus strand): 5'-CAGACACTCGGTAGCAACGGTGCTATGCCTAGTAGACTGAGAAGGTATATTGTTTACTTT[AC>A]CAAATAACAAGTGTTGGAAGCAGGGAAGCTCTTCATCCTCACTAGATAAGTTCTCTTCTG-3'